The following is an entry in ClinVar:

ClinVar aggregate classification (germline): Uncertain significance (0 of 4 stars; one submission).

Conditions:
EP300-related disorder. Also called: EP300-related disorders; EP300-related condition.

Submission:

PreventionGenetics, part of Exact Sciences
Classification: Uncertain significance for EP300-related condition. Last evaluated: 2024-07-23. Review status: no assertion criteria provided. Collection method: clinical testing. Allele origin: germline.
Comment: The EP300 c.5436G>T variant is predicted to result in the amino acid substitution p.Lys1812Asn. To our knowledge, this variant has not been reported in the literature or in gnomAD, indicating this variant is rare. At this time, the clinical significance of this variant is uncertain due to the absence of conclusive functional and genetic evidence.

NM_001429.4(EP300):c.5436G>T (p.Lys1812Asn)

Gene: EP300 (E1A binding protein p300; plus strand). Cytogenetic location: 22q13.2.
Variant type: single nucleotide variant.
Coding change: c.5436G>T on transcript NM_001429.4 (MANE Select); coding-DNA position 5436, G replaced by T.
Protein change: p.Lys1812Asn; replaces lysine 1812 with asparagine.
Molecular consequence: missense variant.
Genome position (GRCh38, 1-based): chr22:41,177,147, G>T. VCF-style: chr22-41177147-G-T. GRCh37 (hg19) VCF-style: chr22-41573151-G-T.
Other names: c.5358G>T, p.Lys1786Asn (NM_001362843.2); short protein forms K1786N, K1812N.
Identifiers: ClinVar variation 3350666 (VCV003350666.1).